The following is an entry in ClinVar:

NM_001042492.3(NF1):c.5375G>T (p.Cys1792Phe)

Gene: NF1 (neurofibromin 1; plus strand). Cytogenetic location: 17q11.2.
Variant type: single nucleotide variant.
Coding change: c.5375G>T on transcript NM_001042492.3 (MANE Select); coding-DNA position 5375, G replaced by T.
Protein change: p.Cys1792Phe; replaces cysteine 1792 with phenylalanine.
Molecular consequence: missense variant.
Genome position (GRCh38, 1-based): chr17:31,327,605, G>T. VCF-style: chr17-31327605-G-T. GRCh37 (hg19) VCF-style: chr17-29654623-G-T.
Other names: c.5312G>T, p.Cys1771Phe (NM_000267.4); short protein forms C1771F, C1792F.
Identifiers: ClinVar variation 1370000 (VCV001370000.8), dbSNP rs1263046457, ClinGen allele CA399009299.
Genomic context (GRCh38, chr17:31,327,605, plus strand): 5'-TCCTAGGGCAATCAGTCTTTCTAAATGACATTTATTATGCTTCGGAAATTGAAGAAATCT[G>T]CCTAGTAGATGAGAACCAGTTCACCTTAACCATTGCAAACCAGGGCACGCCGCTCACCTT-3'
Protein context (NP_001035957.1, residues 1782-1802): IYYASEIEEI[Cys1792Phe]LVDENQFTLT

ClinVar aggregate classification (germline): Uncertain significance (1 of 4 stars; one submission).

Conditions:
Neurofibromatosis, type 1 (NF1). Also called: Peripheral type neurofibromatosis; Neurofibromatosis, type I; NEUROFIBROMATOSIS, TYPE I, SOMATIC; VON RECKLINGHAUSEN DISEASE. Identifiers: Orphanet 636, MedGen C0027831, MONDO:0018975, OMIM 162200. Disease mechanism: loss of function.

Submission:

Labcorp Genetics (formerly Invitae), Labcorp
Classification: Uncertain significance for Neurofibromatosis, type 1. Last evaluated: 2020-11-17. Review status: criteria provided, single submitter. Criteria: Invitae Variant Classification Sherloc (09022015). Collection method: clinical testing. Allele origin: germline.
Comment: This sequence change replaces cysteine with phenylalanine at codon 1771 of the NF1 protein (p.Cys1771Phe). The cysteine residue is moderately conserved and there is a large physicochemical difference between cysteine and phenylalanine. This variant is not present in population databases (ExAC no frequency). This variant has not been reported in the literature in individuals with NF1-related conditions. Advanced modeling of protein sequence and biophysical properties (such as structural, functional, and spatial information, amino acid conservation, physicochemical variation, residue mobility, and thermodynamic stability) performed at Invitae indicates that this missense variant is expected to disrupt NF1 protein function. In summary, the available evidence is currently insufficient to determine the role of this variant in disease. Therefore, it has been classified as a Variant of Uncertain Significance.